The following is an entry in ClinVar:

ClinVar aggregate classification (germline): Benign/Likely benign. Review status: criteria provided, multiple submitters, no conflicts (2 of 4 stars). 3 submissions from 3 submitters: Benign (1); Likely benign (2). Last evaluated 2025-12-15.

Conditions:
Hereditary cancer-predisposing syndrome. Also called: Tumor predisposition; Hereditary Cancer Syndrome; Hereditary neoplastic syndrome; Neoplastic Syndromes, Hereditary. Identifiers: Orphanet 140162, MedGen C0027672, MeSH D009386, MONDO:0015356.
Hereditary diffuse gastric adenocarcinoma (HDGC). Also called: DIFFUSE GASTRIC AND LOBULAR BREAST CANCER SYNDROME. Identifiers: Orphanet 26106, MedGen C1708349, MONDO:0007648, OMIM 137215.

Allele frequency attached by ClinVar (database versions not stated): ESP Exome Variant Server 0.00008.

Submissions (3):

Labcorp Genetics (formerly Invitae), Labcorp
Classification: Likely benign. Last evaluated: 2025-12-15. Review status: criteria provided, single submitter. Criteria: Invitae Variant Classification Sherloc (09022015). Collection method: clinical testing. Allele origin: germline.

Myriad Genetics, Inc.
Classification: Benign for Hereditary diffuse gastric adenocarcinoma. Last evaluated: 2024-10-15. Review status: criteria provided, single submitter. Criteria: Myriad Autosomal Dominant, Autosomal Recessive and X-Linked Classification Criteria (2023). Collection method: clinical testing. Allele origin: unknown.
Comment: This variant is considered benign. This variant is a silent/synonymous amino acid change and it is not expected to impact splicing.

Ambry Genetics
Classification: Likely benign for Hereditary cancer-predisposing syndrome. Last evaluated: 2021-03-16. Review status: criteria provided, single submitter. Criteria: Ambry Variant Classification Scheme 2023. Collection method: clinical testing. Allele origin: germline.

NM_001903.5(CTNNA1):c.2679G>C (p.Pro893=)

Gene: CTNNA1 (catenin alpha 1; plus strand). Cytogenetic location: 5q31.2.
Variant type: single nucleotide variant.
Coding change: c.2679G>C on transcript NM_001903.5 (MANE Select); coding-DNA position 2679, G replaced by C.
Protein change: p.Pro893=; no amino-acid change (proline 893 retained).
Molecular consequence: synonymous variant. On other transcripts: 3 prime UTR variant (5).
Genome position (GRCh38, 1-based): chr5:138,934,047, G>C. VCF-style: chr5-138934047-G-C. GRCh37 (hg19) VCF-style: chr5-138269736-G-C.
Other names: c.*224G>C (NM_001290307.3, NM_001324002.1, NM_001324003.1 and 2 more transcripts); c.2370G>C, p.Pro790= (NM_001290309.3); c.2310G>C, p.Pro770= (NM_001290310.3); c.1569G>C, p.Pro523= (NM_001290312.1, NM_001323987.1, NM_001323988.1 and 12 more transcripts); c.2679G>C, p.Pro893= (NM_001323982.2, NM_001323983.1, NM_001323984.2); c.2652G>C, p.Pro884= (NM_001323985.2); c.2586G>C, p.Pro862= (NM_001323986.2); c.1434G>C, p.Pro478= (NM_001324001.1); and 3 more.
Identifiers: ClinVar variation 1540407 (VCV001540407.11), dbSNP rs1059181, ClinGen allele CA128225644.